The following is an entry in ClinVar:

ClinVar aggregate classification (germline): Uncertain significance (1 of 4 stars; one submission).

Conditions:
Epileptic encephalopathy. Identifiers: MedGen C0543888, HP:0200134.

Submission:

Labcorp Genetics (formerly Invitae), Labcorp
Classification: Uncertain significance for Epileptic encephalopathy. Last evaluated: 2024-02-17. Review status: criteria provided, single submitter. Criteria: Invitae Variant Classification Sherloc (09022015). Collection method: clinical testing. Allele origin: germline.
Comment: This sequence change replaces glutamic acid, which is acidic and polar, with aspartic acid, which is acidic and polar, at codon 646 of the GABBR2 protein (p.Glu646Asp). This variant is not present in population databases (gnomAD no frequency). This variant has not been reported in the literature in individuals affected with GABBR2-related conditions. ClinVar contains an entry for this variant (Variation ID: 1018861). Advanced modeling of protein sequence and biophysical properties (such as structural, functional, and spatial information, amino acid conservation, physicochemical variation, residue mobility, and thermodynamic stability) has been performed at Invitae for this missense variant, however the output from this modeling did not meet the statistical confidence thresholds required to predict the impact of this variant on GABBR2 protein function. In summary, the available evidence is currently insufficient to determine the role of this variant in disease. Therefore, it has been classified as a Variant of Uncertain Significance.

NM_005458.8(GABBR2):c.1938G>T (p.Glu646Asp)

Gene: GABBR2 (gamma-aminobutyric acid type B receptor subunit 2; minus strand). Cytogenetic location: 9q22.33.
Variant type: single nucleotide variant.
Coding change: c.1938G>T on transcript NM_005458.8 (MANE Select); coding-DNA position 1938, G replaced by T.
Protein change: p.Glu646Asp; replaces glutamic acid 646 with aspartic acid.
Molecular consequence: missense variant.
Genome position (GRCh38, 1-based): chr9:98,311,161, C>A on the plus strand (G>T on the coding strand, the complement: GABBR2 is on the minus strand). VCF-style: chr9-98311161-C-A. GRCh37 (hg19) VCF-style: chr9-101073443-C-A.
Other names: short protein forms E646D.
Identifiers: ClinVar variation 1018861 (VCV001018861.8), dbSNP rs79484588, ClinGen allele CA374203627.